The following is an entry in ClinVar:

NM_015662.3(IFT172):c.2667C>T (p.Ala889=)

Genes: IFT172 (intraflagellar transport 172; minus strand), LOC126806174 (CDK7 strongly-dependent group 2 enhancer GRCh37_chr2:27681686-27682885; plus strand). Cytogenetic location: 2p23.3.
Variant type: single nucleotide variant.
Coding change: c.2667C>T on transcript NM_015662.3 (MANE Select); coding-DNA position 2667, C replaced by T.
Protein change: p.Ala889=; no amino-acid change (alanine 889 retained).
Molecular consequence: synonymous variant.
Genome position (GRCh38, 1-based): chr2:27,459,498, G>A on the plus strand (C>T on the coding strand, the complement: IFT172 is on the minus strand). VCF-style: chr2-27459498-G-A. GRCh37 (hg19) VCF-style: chr2-27682365-G-A.
Other names: c.2667C>T (NM_015662.2).
Identifiers: ClinVar variation 1579572 (VCV001579572.11), dbSNP rs753125303, ClinGen allele CA1580218.

ClinVar aggregate classification (germline): Likely benign. Review status: criteria provided, multiple submitters, no conflicts (2 of 4 stars). 3 submissions from 3 submitters: Likely benign (2). 1 of the submissions does not count toward it. Last evaluated 2025-04-01.

Conditions:
IFT172-related disorder. Also called: IFT172-related disorders; IFT172-related condition.
Short-rib thoracic dysplasia 10 with or without polydactyly (SRTD10). Identifiers: Orphanet 474, MedGen C3810175, MONDO:0014284, OMIM 615630.
Retinitis pigmentosa 71 (RP71). Identifiers: Orphanet 791, MedGen C4225342, MONDO:0014618, OMIM 616394.

Allele frequency attached by ClinVar (database versions not stated): ExAC 0.00001; gnomAD 0.00002; gnomAD exomes 0.00002.
gnomAD v4.1: 29 of 1,613,998 alleles (0.0018%); highest among the groups gnomAD compares: Admixed American, 0.0033%; no homozygotes.

Submissions (3):

Labcorp Genetics (formerly Invitae), Labcorp
Classification: Likely benign for Retinitis pigmentosa 71; Short-rib thoracic dysplasia 10 with or without polydactyly. Last evaluated: 2025-04-01. Review status: criteria provided, single submitter. Criteria: Invitae Variant Classification Sherloc (09022015). Collection method: clinical testing. Allele origin: germline.

Blueprint Genetics
Classification: Likely benign. Last evaluated: 2024-02-27. Review status: criteria provided, single submitter. Criteria: ACMG Guidelines, 2015. Collection method: clinical testing. Allele origin: germline.

PreventionGenetics, part of Exact Sciences
Classification: Likely benign for IFT172-related condition. Last evaluated: 2021-05-13. Review status: no assertion criteria provided. Collection method: clinical testing. Allele origin: germline. Not counted in ClinVar's aggregate classification.
Comment: This variant is classified as likely benign based on ACMG/AMP sequence variant interpretation guidelines (Richards et al. 2015 PMID: 25741868, with internal and published modifications).